The following is an entry in ClinVar:

NM_002386.4(MC1R):c.652G>A (p.Ala218Thr)

Gene: MC1R (melanocortin 1 receptor; plus strand). Cytogenetic location: 16q24.3.
Variant type: single nucleotide variant.
Coding change: c.652G>A on transcript NM_002386.4 (MANE Select); coding-DNA position 652, G replaced by A.
Protein change: p.Ala218Thr; replaces alanine 218 with threonine.
Molecular consequence: missense variant.
Genome position (GRCh38, 1-based): chr16:89,919,910, G>A. VCF-style: chr16-89919910-G-A. GRCh37 (hg19) VCF-style: chr16-89986318-G-A.
Other names: short protein forms A218T.
Identifiers: ClinVar variation 321437 (VCV000321437.17), dbSNP rs200965363, ClinGen allele CA8255697.

ClinVar aggregate classification (germline): Likely benign. Review status: criteria provided, multiple submitters, no conflicts (2 of 4 stars). 3 submissions from 3 submitters: Likely benign (3). Last evaluated 2026-01-15.

Conditions:
Melanoma, cutaneous malignant, susceptibility to, 5. Also called: Cutaneous malignant melanoma 5. Identifiers: Orphanet 618, MedGen C2751295, MONDO:0013133, OMIM 613099.
Melanoma, cutaneous malignant, susceptibility to, 1 (CMM1). Also called: B-K MOLE SYNDROME; DYSPLASTIC NEVUS SYNDROME, HEREDITARY; FAMILIAL ATYPICAL MOLE-MALIGNANT MELANOMA SYNDROME; MELANOMA, MALIGNANT. Identifiers: Orphanet 618, MedGen C1835047, MONDO:0007963, OMIM 155600.

Allele frequency attached by ClinVar (database versions not stated): 1000 Genomes Project 30x 0.00016; ExAC 0.00019; 1000 Genomes Project 0.00020; gnomAD exomes 0.00021; gnomAD 0.00028 and 0.00025; ESP Exome Variant Server 0.00040; TOPMed 0.00027.
gnomAD v4.1: 643 of 1,608,156 alleles (0.04%); highest among the groups gnomAD compares: Middle Eastern, 0.066%; 2 homozygotes.

Submissions (3):

Labcorp Genetics (formerly Invitae), Labcorp
Classification: Likely benign for Melanoma, cutaneous malignant, susceptibility to, 5. Last evaluated: 2026-01-15. Review status: criteria provided, single submitter. Criteria: Invitae Variant Classification Sherloc (09022015). Collection method: clinical testing. Allele origin: germline.

ARUP Laboratories, Molecular Genetics and Genomics, ARUP Laboratories
Classification: Likely benign. Last evaluated: 2024-04-03. Review status: criteria provided, single submitter. Criteria: ARUP Molecular Germline Variant Investigation Process 2024. Collection method: clinical testing. Allele origin: germline.

Illumina Laboratory Services, Illumina
Classification: Likely benign for Melanoma, cutaneous malignant, susceptibility to, 5. Last evaluated: 2017-04-27. Review status: criteria provided, single submitter. Criteria: ICSL Variant Classification Criteria 13 December 2019. Collection method: clinical testing. Allele origin: germline.
Comment: This variant was observed as part of a predisposition screen in an ostensibly healthy population. A literature search was performed for the gene, cDNA change, and amino acid change (where applicable). Publications were found based on this search. The evidence from the literature, in combination with allele frequency data from public databases where available, was sufficient to determine this variant is unlikely to cause disease. Therefore, this variant is classified as likely benign.

Literature cited by the submitters: PubMed 16809487 (cited by Illumina Laboratory Services, Illumina); PubMed 17316231 (cited by Illumina Laboratory Services, Illumina); PubMed 20876876 (cited by Illumina Laboratory Services, Illumina); PubMed 19585506 (cited by Illumina Laboratory Services, Illumina); PubMed 17279550 (cited by Illumina Laboratory Services, Illumina); PubMed 18067130 (cited by Illumina Laboratory Services, Illumina); PubMed 18803811 (cited by Illumina Laboratory Services, Illumina).